The following is an entry in ClinVar:

ClinVar aggregate classification (germline): Uncertain significance. Review status: criteria provided, multiple submitters, no conflicts (2 of 4 stars). 3 submissions from 3 submitters: Uncertain significance (3). Last evaluated 2024-07-16.

Conditions:
Hereditary cancer-predisposing syndrome. Also called: Hereditary neoplastic syndrome; Neoplastic Syndromes, Hereditary; Tumor predisposition; Hereditary Cancer Syndrome. Identifiers: Orphanet 140162, MedGen C0027672, MeSH D009386, MONDO:0015356.
Familial cancer of breast. Also called: Hereditary breast cancer; hereditary breast carcinoma; BREAST CANCER, FAMILIAL. Identifiers: Orphanet 227535, MedGen C0346153, MONDO:0016419, OMIM 114480. Disease mechanism: loss of function.
Ataxia-telangiectasia syndrome (AT). Also called: Ataxia telangiectasia (A-T); LOUIS-BAR SYNDROME; Cerebello-oculocutaneous telangiectasia; Immunodeficiency with ataxia telangiectasia; Ataxia-telangiectasia, complementation group D; AT, COMPLEMENTATION GROUP C. Identifiers: Orphanet 100, MedGen C0004135, MONDO:0008840, OMIM 208900.

Submissions (3):

Labcorp Genetics (formerly Invitae), Labcorp
Classification: Uncertain significance for Ataxia-telangiectasia syndrome. Last evaluated: 2024-07-16. Review status: criteria provided, single submitter. Criteria: Invitae Variant Classification Sherloc (09022015). Collection method: clinical testing. Allele origin: germline.
Comment: This sequence change replaces threonine, which is neutral and polar, with serine, which is neutral and polar, at codon 2745 of the ATM protein (p.Thr2745Ser). This variant is not present in population databases (gnomAD no frequency). This variant has not been reported in the literature in individuals affected with ATM-related conditions. ClinVar contains an entry for this variant (Variation ID: 1762566). An algorithm developed to predict the effect of missense changes on protein structure and function (PolyPhen-2) suggests that this variant is likely to be disruptive. In summary, the available evidence is currently insufficient to determine the role of this variant in disease. Therefore, it has been classified as a Variant of Uncertain Significance.

Baylor Genetics
Classification: Uncertain significance for Familial cancer of breast. Last evaluated: 2023-05-16. Review status: criteria provided, single submitter. Criteria: ACMG Guidelines, 2015. Collection method: clinical testing. Allele origin: unknown.

Ambry Genetics
Classification: Uncertain significance for Hereditary cancer-predisposing syndrome. Last evaluated: 2022-10-05. Review status: criteria provided, single submitter. Criteria: Ambry Variant Classification Scheme 2023. Collection method: clinical testing. Allele origin: germline.
Comment: The p.T2745S variant (also known as c.8234C>G), located in coding exon 55 of the ATM gene, results from a C to G substitution at nucleotide position 8234. The threonine at codon 2745 is replaced by serine, an amino acid with similar properties. This amino acid position is highly conserved in available vertebrate species. In addition, the in silico prediction for this alteration is inconclusive. Since supporting evidence is limited at this time, the clinical significance of this alteration remains unclear.

NM_000051.4(ATM):c.8234C>G (p.Thr2745Ser)

Genes: ATM (ATM serine/threonine kinase; plus strand), C11orf65 (chromosome 11 open reading frame 65; minus strand). Cytogenetic location: 11q22.3.
Variant type: single nucleotide variant.
Coding change: c.8234C>G on transcript NM_000051.4 (MANE Select); coding-DNA position 8234, C replaced by G.
Protein change: p.Thr2745Ser; replaces threonine 2745 with serine.
Molecular consequence: missense variant. On other transcripts: intron variant (2).
Genome position (GRCh38, 1-based): chr11:108,335,927, C>G. VCF-style: chr11-108335927-C-G. GRCh37 (hg19) VCF-style: chr11-108206654-C-G.
Other names: c.8234C>G, p.Thr2745Ser (NM_001351834.2); c.641-26856G>C (NM_001330368.2); c.695-635G>C (NM_001351110.2); short protein forms T2745S.
Identifiers: ClinVar variation 1762566 (VCV001762566.5), dbSNP rs786203094, ClinGen allele CA382562634.